The following is an entry in ClinVar:

ClinVar aggregate classification (germline): Uncertain significance (1 of 4 stars; one submission).

Conditions:
Inborn genetic diseases. Identifiers: MedGen C0950123, MeSH D030342.

Submission:

Ambry Genetics
Classification: Uncertain significance for Inborn genetic diseases. Last evaluated: 2023-12-15. Review status: criteria provided, single submitter. Criteria: Ambry Variant Classification Scheme 2023. Collection method: clinical testing. Allele origin: germline.
Comment: The p.I1469V variant (also known as c.4405A>G), located in coding exon 31 of the LRRK2 gene, results from an A to G substitution at nucleotide position 4405. The isoleucine at codon 1469 is replaced by valine, an amino acid with highly similar properties. This amino acid position is conserved. In addition, the in silico prediction for this alteration is inconclusive. Since supporting evidence is limited at this time, the clinical significance of this alteration remains unclear.

NM_198578.4(LRRK2):c.4405A>G (p.Ile1469Val)

Gene: LRRK2 (leucine rich repeat kinase 2; plus strand). Cytogenetic location: 12q12.
Variant type: single nucleotide variant.
Coding change: c.4405A>G on transcript NM_198578.4 (MANE Select); coding-DNA position 4405, A replaced by G.
Protein change: p.Ile1469Val; replaces isoleucine 1469 with valine.
Molecular consequence: missense variant.
Genome position (GRCh38, 1-based): chr12:40,310,518, A>G. VCF-style: chr12-40310518-A-G. GRCh37 (hg19) VCF-style: chr12-40704320-A-G.
Other names: short protein forms I1469V.
Identifiers: ClinVar variation 3229648 (VCV003229648.1), dbSNP rs2499827454, ClinGen allele CA384418435.